The following is an entry in ClinVar:

NM_002972.4(SBF1):c.5626G>A (p.Val1876Met)

Gene: SBF1 (SET binding factor 1; minus strand). Cytogenetic location: 22q13.33.
Variant type: single nucleotide variant.
Coding change: c.5626G>A on transcript NM_002972.4 (MANE Select); coding-DNA position 5626, G replaced by A.
Protein change: p.Val1876Met; replaces valine 1876 with methionine.
Molecular consequence: missense variant.
Genome position (GRCh38, 1-based): chr22:50,447,198, C>T on the plus strand (G>A on the coding strand, the complement: SBF1 is on the minus strand). VCF-style: chr22-50447198-C-T. GRCh37 (hg19) VCF-style: chr22-50885627-C-T.
Other names: c.5551G>A, p.Val1851Met (NM_001365819.1); short protein forms V1851M, V1876M.
Identifiers: ClinVar variation 1503062 (VCV001503062.6), dbSNP rs557791373, ClinGen allele CA10315740.
Genomic context (GRCh38, chr22:50,447,198, plus strand): 5'-AGGCTCAGGCGTCCGACAGGCAGCTCTGGATCCGGTCCACCCACTGCTGGGCCGAGGGCA[C>T]GTCCTGGGCACAGAAGTTGTAAACGCGACGCGTTGTCTTCACCTGGGGAAGGGCGGGTTA-3'
Protein context (NP_002963.2, residues 1866-1886): RRVYNFCAQD[Val1876Met]PSAQQWVDRI

ClinVar aggregate classification (germline): Uncertain significance. Review status: criteria provided, multiple submitters, no conflicts (2 of 4 stars). 2 submissions from 2 submitters: Uncertain significance (2). Last evaluated 2023-01-23.

Conditions:
Charcot-Marie-Tooth disease type 4B3. Also called: Charcot-Marie-Tooth Neuropathy Type 4B3; CHARCOT-MARIE-TOOTH DISEASE, DEMYELINATING, TYPE 4B3. Identifiers: Orphanet 363981, MedGen C3695063, MONDO:0014117, OMIM 615284.

Allele frequency attached by ClinVar (database versions not stated): gnomAD 0.00002 and 0.00003; TOPMed 0.00002; 1000 Genomes Project 30x 0.00016; 1000 Genomes Project 0.00020.
gnomAD v4.1: 32 of 1,613,748 alleles (0.002%); highest among the groups gnomAD compares: East Asian, 0.02%; no homozygotes.

Submissions (2):

Department of Pathology and Laboratory Medicine, Sinai Health System
Classification: Uncertain significance for Charcot-Marie-Tooth disease type 4B3. Last evaluated: 2023-01-23. Review status: criteria provided, single submitter. Criteria: ACMG Guidelines, 2015. Collection method: research. Allele origin: germline.

Labcorp Genetics (formerly Invitae), Labcorp
Classification: Uncertain significance. Last evaluated: 2021-09-24. Review status: criteria provided, single submitter. Criteria: Invitae Variant Classification Sherloc (09022015). Collection method: clinical testing. Allele origin: germline.
Comment: This sequence change replaces valine with methionine at codon 1876 of the SBF1 protein (p.Val1876Met). The valine residue is weakly conserved and there is a small physicochemical difference between valine and methionine. This variant is present in population databases (rs557791373, ExAC 0.04%). This variant has not been reported in the literature in individuals with SBF1-related conditions. Algorithms developed to predict the effect of missense changes on protein structure and function are either unavailable or do not agree on the potential impact of this missense change (SIFT: "Tolerated"; PolyPhen-2: "Possibly Damaging"; Align-GVGD: "Class C0"). In summary, the available evidence is currently insufficient to determine the role of this variant in disease. Therefore, it has been classified as a Variant of Uncertain Significance.